The following is an entry in ClinVar:

NM_001267550.2(TTN):c.56347+31_56395del

Genes: TTN-AS1 (TTN antisense RNA 1; plus strand), TTN (titin; minus strand). Cytogenetic location: 2q31.2.
Variant type: Deletion.
Coding change: c.56347+31_56395del on transcript NM_001267550.2 (MANE Select); 31 bases into the intron after coding-DNA position 56347 through coding-DNA position 56395, 126 bases deleted.
Molecular consequence: splice acceptor variant.
Genome position (GRCh38, 1-based): chr2:178,599,398-178,599,523, 126 bases deleted. GRCh37 (hg19): chr2:179,464,125-179,464,250.
Other names: c.29152+31_29200del (NM_003319.4); c.29728+31_29776del (NM_133437.4); c.29527+31_29575del (NM_133432.3); c.48643+31_48691del (NM_133378.4); c.51424+31_51472del (NM_001256850.1).
Identifiers: ClinVar variation 2950827 (VCV002950827.3), dbSNP rs2469891210, ClinGen allele CA2740096084.

ClinVar aggregate classification (germline): Likely pathogenic (1 of 4 stars; one submission).

Conditions:
Dilated cardiomyopathy 1G (CMD1G). Identifiers: Orphanet 154, MedGen C1858763, MONDO:0011400, OMIM 604145.
Autosomal recessive limb-girdle muscular dystrophy type 2J (LGMDR10). Also called: Limb-girdle muscular dystrophy, type 2J; MUSCULAR DYSTROPHY, LIMB-GIRDLE, AUTOSOMAL RECESSIVE 10. Identifiers: Orphanet 140922, MedGen C1837342, MONDO:0012127, OMIM 608807.

Submission:

Labcorp Genetics (formerly Invitae), Labcorp
Classification: Likely pathogenic for Dilated cardiomyopathy 1G; Autosomal recessive limb-girdle muscular dystrophy type 2J. Last evaluated: 2023-12-13. Review status: criteria provided, single submitter. Criteria: Invitae Variant Classification Sherloc (09022015). Collection method: clinical testing. Allele origin: germline.
Comment: This variant results in the deletion of part of exon 290 (c.56347+31_56395del) of the TTN gene. It is expected to disrupt RNA splicing and likely results in a truncated or disrupted TTN protein. This variant is not present in population databases (gnomAD no frequency). This variant has not been reported in the literature in individuals affected with TTN-related conditions. Algorithms developed to predict the effect of sequence changes on RNA splicing suggest that this variant may disrupt the consensus splice site. This variant is located in the A band of TTN (PMID: 25589632). Truncating variants in this region are significantly overrepresented in patients affected with dilated cardiomyopathy (PMID: 25589632). Truncating variants in this region have also been reported in individuals affected with autosomal recessive centronuclear myopathy (PMID: 23975875). In summary, the currently available evidence indicates that the variant is pathogenic, but additional data are needed to prove that conclusively. Therefore, this variant has been classified as Likely Pathogenic.

Literature cited by the submitters: PubMed 25589632; PubMed 23975875.